The following is an entry in ClinVar:

ClinVar aggregate classification (germline): Likely benign. Review status: criteria provided, single submitter (1 of 4 stars). 2 submissions from 2 submitters: Likely benign (1). 1 of the submissions does not count toward it. Last evaluated 2018-05-24.

Conditions:
ARHGEF6-related disorder. Also called: ARHGEF6-related condition.

Allele frequency attached by ClinVar (database versions not stated): gnomAD exomes 0.00011 and 0.00024; ExAC 0.00024; 1000 Genomes Project 0.00026; 1000 Genomes Project 30x 0.00042; ESP Exome Variant Server 0.00095; gnomAD 0.00104 and 0.00115; TOPMed 0.00104.
gnomAD v4.1: 245 of 1,209,565 alleles (0.02%); highest among the groups gnomAD compares: African/African-American, 0.39%; no homozygotes.

Submissions (2):

Labcorp Genetics (formerly Invitae), Labcorp
Classification: Likely benign. Last evaluated: 2018-05-24. Review status: criteria provided, single submitter. Criteria: Invitae Variant Classification Sherloc (09022015). Collection method: clinical testing. Allele origin: germline.

PreventionGenetics, part of Exact Sciences
Classification: Likely benign for ARHGEF6-related condition. Last evaluated: 2019-04-05. Review status: no assertion criteria provided. Collection method: clinical testing. Allele origin: germline. Not counted in ClinVar's aggregate classification.
Comment: This variant is classified as likely benign based on ACMG/AMP sequence variant interpretation guidelines (Richards et al. 2015 PMID: 25741868, with internal and published modifications).

NM_004840.3(ARHGEF6):c.2215C>A (p.Leu739Met)

Gene: ARHGEF6 (Rac/Cdc42 guanine nucleotide exchange factor 6; minus strand). Cytogenetic location: Xq26.3.
Variant type: single nucleotide variant.
Coding change: c.2215C>A on transcript NM_004840.3 (MANE Select); coding-DNA position 2215, C replaced by A.
Protein change: p.Leu739Met; replaces leucine 739 with methionine.
Molecular consequence: missense variant.
Genome position (GRCh38, 1-based): chrX:136,668,145, G>T on the plus strand (C>A on the coding strand, the complement: ARHGEF6 is on the minus strand). VCF-style: chrX-136668145-G-T. GRCh37 (hg19) VCF-style: chrX-135750304-G-T.
Other names: c.1753C>A, p.Leu585Met (NM_001306177.2); short protein forms L585M, L739M.
Identifiers: ClinVar variation 769329 (VCV000769329.5), dbSNP rs140378313, ClinGen allele CA10528199.
Genomic context (GRCh38, chrX:136,668,145, plus strand): 5'-GCTTCAAAAGCCTCCGCACCAGCTTTTCTAGGTCCCTTCTTGATTTCAGTTCTTCTTCCA[G>T]GCATTGCTTCATTCTTTTATTTTCCTATGATGGGGAAAGATTTGTTGATTATCAAACAGA-3'
Protein context (NP_004831.1, residues 729-749): KQENKRMKQC[Leu739Met]EEELKSRRDL